The following is an entry in ClinVar:

ClinVar aggregate classification (germline): Likely benign (1 of 4 stars; one submission).

Conditions:
Malignant hyperthermia, susceptibility to, 1 (MHS1). Also called: Anesthesia related hyperthermia; Malignant hyperpyrexia; Fulminating hyperpyrexia; Pharmacogenic myopathy; RYR1-Related Malignant Hyperthermia Susceptibility; Malignant hyperthermia suceptibility 1. Identifiers: Orphanet 423, MedGen C2930980, MONDO:0007783, OMIM 145600.

Submission:

All of Us Research Program, National Institutes of Health
Classification: Likely benign for Malignant hyperthermia, susceptibility to, 1. Last evaluated: 2023-12-13. Review status: criteria provided, single submitter. Criteria: ACMG Guidelines, 2015. Collection method: clinical testing. Allele origin: germline. Inheritance: Autosomal dominant inheritance. Observed: 1 variant allele, 1 heterozygote.
Comment: This study involves interpretation of variants in research participants for the purpose of population health screening. Participant phenotype was not available at the time of variant classification. Additional details can be found in publication PMID: 35346344, PMCID: PMC8962531

NM_000540.3(RYR1):c.5778G>T (p.Leu1926=)

Gene: RYR1 (ryanodine receptor 1; plus strand). Cytogenetic location: 19q13.2.
Variant type: single nucleotide variant.
Coding change: c.5778G>T on transcript NM_000540.3 (MANE Select); coding-DNA position 5778, G replaced by T.
Protein change: p.Leu1926=; no amino-acid change (leucine 1926 retained).
Molecular consequence: synonymous variant.
Genome position (GRCh38, 1-based): chr19:38,489,407, G>T. VCF-style: chr19-38489407-G-T. GRCh37 (hg19) VCF-style: chr19-38980047-G-T.
Other names: c.5778G>T, p.Leu1926= (NM_001042723.2).
Identifiers: ClinVar variation 3074743 (VCV003074743.1), dbSNP rs754492782, ClinGen allele CA507238955.
Genomic context (GRCh38, chr19:38,489,407, plus strand): 5'-GGAAAAAGAGGAAGAGGAGGCAGCAGAAGGGGAGAAAGAAGAAGGCTTGGAGGAAGGGCT[G>T]CTCCAGATGAAGTTGCCAGAGTCTGTGAAGTTACAGGTGGGCTGCTGCTTCCTGCTTTTC-3'
Protein context (NP_000531.2, residues 1916-1936): GEKEEGLEEG[Leu1926=]LQMKLPESVK